The following is an entry in ClinVar:

NM_004517.4(ILK):c.256-10del

Genes: ILK (integrin linked kinase; plus strand), TAF10 (TATA-box binding protein associated factor 10; minus strand). Cytogenetic location: 11p15.4.
Variant type: Deletion.
Coding change: c.256-10del on transcript NM_004517.4 (MANE Select); 10 bases into the intron before coding-DNA position 256, one base deleted (T; older notation c.256-10delT).
Molecular consequence: intron variant. On other transcripts: 3 prime UTR variant (1).
Genome position (GRCh38, 1-based): chr11:6,608,384, T deleted. VCF-style (leftmost placement, unchanged base first): chr11-6608383-AT-A. GRCh37 (hg19) VCF-style: chr11-6629613-AT-A.
Other names: c.*2538del (NM_006284.4); c.256-10del (NM_001014795.3, NM_001278441.2, NM_001014794.3); c.-147-10del (NM_001278442.2).
Identifiers: ClinVar variation 4729139 (VCV004729139.1).
Genomic context (GRCh38, chr11:6,608,383, plus strand): 5'-CTGACACCAGTATCTCATTTGGAACTGACTGTACTTTCTGCCTCTTCTTTTTGTCTGGCC[AT>A]GGGGTCCAGCTATTGCAGTACAAGGCAGACATCAATGCAGTGAATGAACACGGGAATGTG-3'

ClinVar aggregate classification (germline): Uncertain significance (1 of 4 stars; one submission).

Conditions:
Primary familial hypertrophic cardiomyopathy (HCM). Identifiers: Orphanet 99739, MedGen C0949658, MeSH D024741, MONDO:0024573. Inheritance: Various modes of inheritance.

Submission:

Labcorp Genetics (formerly Invitae), Labcorp
Classification: Uncertain significance for Primary familial hypertrophic cardiomyopathy. Last evaluated: 2025-09-16. Review status: criteria provided, single submitter. Criteria: Invitae Variant Classification Sherloc (09022015). Collection method: clinical testing. Allele origin: germline.
Comment: This sequence change falls in intron 3 of the ILK gene. It does not directly change the encoded amino acid sequence of the ILK protein. This variant is not present in population databases (gnomAD no frequency). This variant has not been reported in the literature in individuals affected with ILK-related conditions. Algorithms developed to predict the effect of sequence changes on RNA splicing suggest that this variant may disrupt the consensus splice site. In summary, the available evidence is currently insufficient to determine the role of this variant in disease. Therefore, it has been classified as a Variant of Uncertain Significance.